The following is an entry in ClinVar:

ClinVar aggregate classification (germline): Uncertain significance (1 of 4 stars; one submission).

Conditions:
Mitochondrial DNA depletion syndrome 9 (MTDPS9). Also called: SUCLG1-Related Mitochondrial DNA Depletion Syndrome, Encephalomyopathic Form with Methylmalonic Aciduria. Identifiers: Orphanet 17, MedGen C3151476, MONDO:0009504, OMIM 245400.

Submission:

Labcorp Genetics (formerly Invitae), Labcorp
Classification: Uncertain significance for Mitochondrial DNA depletion syndrome 9. Last evaluated: 2022-10-05. Review status: criteria provided, single submitter. Criteria: Invitae Variant Classification Sherloc (09022015). Collection method: clinical testing. Allele origin: germline.
Comment: This sequence change replaces asparagine, which is neutral and polar, with lysine, which is basic and polar, at codon 130 of the SUCLG1 protein (p.Asn130Lys). This variant is not present in population databases (gnomAD no frequency). This variant has not been reported in the literature in individuals affected with SUCLG1-related conditions. ClinVar contains an entry for this variant (Variation ID: 1480947). Algorithms developed to predict the effect of missense changes on protein structure and function (SIFT, PolyPhen-2, Align-GVGD) all suggest that this variant is likely to be tolerated. Algorithms developed to predict the effect of sequence changes on RNA splicing suggest that this variant may create or strengthen a splice site. In summary, the available evidence is currently insufficient to determine the role of this variant in disease. Therefore, it has been classified as a Variant of Uncertain Significance.

NM_003849.4(SUCLG1):c.390T>G (p.Asn130Lys)

Gene: SUCLG1 (succinate-CoA ligase GDP/ADP-forming subunit alpha; minus strand). Cytogenetic location: 2p11.2.
Variant type: single nucleotide variant.
Coding change: c.390T>G on transcript NM_003849.4 (MANE Select); coding-DNA position 390, T replaced by G.
Protein change: p.Asn130Lys; replaces asparagine 130 with lysine.
Molecular consequence: missense variant.
Genome position (GRCh38, 1-based): chr2:84,441,388, A>C on the plus strand (T>G on the coding strand, the complement: SUCLG1 is on the minus strand). VCF-style: chr2-84441388-A-C. GRCh37 (hg19) VCF-style: chr2-84668512-A-C.
Other names: short protein forms N130K.
Identifiers: ClinVar variation 1480947 (VCV001480947.6), dbSNP rs2104254158, ClinGen allele CA347515849.